The following is an entry in ClinVar:

NM_006506.5(RASA2):c.1741G>A (p.Ala581Thr)

Gene: RASA2 (RAS p21 protein activator 2; plus strand). Cytogenetic location: 3q23.
Variant type: single nucleotide variant.
Coding change: c.1741G>A on transcript NM_006506.5 (MANE Select); coding-DNA position 1741, G replaced by A.
Protein change: p.Ala581Thr; replaces alanine 581 with threonine.
Molecular consequence: missense variant.
Genome position (GRCh38, 1-based): chr3:141,581,166, G>A. VCF-style: chr3-141581166-G-A. GRCh37 (hg19) VCF-style: chr3-141300008-G-A.
Other names: c.1741G>A, p.Ala581Thr (NM_001303245.3, NM_001303246.3); short protein forms A581T.
Identifiers: ClinVar variation 3688983 (VCV003688983.2).
Genomic context (GRCh38, chr3:141,581,166, plus strand): 5'-TTCAAAGAGACATTCATGTGTGAATTTTTCAAAATGTTTCAAGAAGAAGGATATATTATA[G>A]CAGTTAAAAAGGTATGATGGTTTTATTCTGGAATTGTTAATATTTATTTCATATAACATG-3'
Protein context (NP_006497.2, residues 571-591): KMFQEEGYII[Ala581Thr]VKKFLDEISS

ClinVar aggregate classification (germline): Uncertain significance (1 of 4 stars; one submission).

gnomAD v4.1: 7 of 1,518,952 alleles (0.00046%); highest among the groups gnomAD compares: South Asian, 0.0094%; no homozygotes.

Submission:

Labcorp Genetics (formerly Invitae), Labcorp
Classification: Uncertain significance. Last evaluated: 2024-04-17. Review status: criteria provided, single submitter. Criteria: Invitae Variant Classification Sherloc (09022015). Collection method: clinical testing. Allele origin: germline.
Comment: This sequence change replaces alanine, which is neutral and non-polar, with threonine, which is neutral and polar, at codon 581 of the RASA2 protein (p.Ala581Thr). The frequency data for this variant in the population databases is considered unreliable, as metrics indicate poor data quality at this position in the gnomAD database. This variant has not been reported in the literature in individuals affected with RASA2-related conditions. Advanced modeling of protein sequence and biophysical properties (such as structural, functional, and spatial information, amino acid conservation, physicochemical variation, residue mobility, and thermodynamic stability) performed at Invitae indicates that this missense variant is not expected to disrupt RASA2 protein function with a negative predictive value of 80%. In summary, the available evidence is currently insufficient to determine the role of this variant in disease. Therefore, it has been classified as a Variant of Uncertain Significance.